The following is an entry in ClinVar:

NM_016616.5(NME8):c.270+5G>A

Gene: NME8 (NME/NM23 family member 8; plus strand). Cytogenetic location: 7p14.1.
Variant type: single nucleotide variant.
Coding change: c.270+5G>A on transcript NM_016616.5 (MANE Select); 5 bases into the intron after coding-DNA position 270, G replaced by A.
Molecular consequence: intron variant.
Genome position (GRCh38, 1-based): chr7:37,857,350, G>A. VCF-style: chr7-37857350-G-A. GRCh37 (hg19) VCF-style: chr7-37896952-G-A.
Identifiers: ClinVar variation 536827 (VCV000536827.8), dbSNP rs1263698487, ClinGen allele CA658796921.

ClinVar aggregate classification (germline): Uncertain significance (1 of 4 stars; one submission).

Conditions:
Primary ciliary dyskinesia 6. Also called: Primary Ciliary Dyskinesia 6: TXNDC3-Related Primary Ciliary Dyskinesia. Identifiers: Orphanet 244, MedGen C1970506, MONDO:0012571, OMIM 610852.

Allele frequency attached by ClinVar (database versions not stated): gnomAD exomes below 0.00001; TOPMed below 0.00001; gnomAD 0.00001.
gnomAD v4.1: 2 of 1,585,060 alleles (0.00013%); highest among the groups gnomAD compares: Admixed American, 0.0017%; no homozygotes.

Submission:

Labcorp Genetics (formerly Invitae), Labcorp
Classification: Uncertain significance for Primary ciliary dyskinesia 6. Last evaluated: 2019-05-08. Review status: criteria provided, single submitter. Criteria: Invitae Variant Classification Sherloc (09022015). Collection method: clinical testing. Allele origin: germline.
Comment: In summary, the available evidence is currently insufficient to determine the role of this variant in disease. Therefore, it has been classified as a Variant of Uncertain Significance. Nucleotide substitutions within the consensus splice site are a relatively common cause of aberrant splicing (PMID: 17576681, 9536098). Algorithms developed to predict the effect of sequence changes on RNA splicing suggest that this variant may disrupt the consensus splice site, but this prediction has not been confirmed by published transcriptional studies. This variant has not been reported in the literature in individuals with NME8-related disease. This variant is not present in population databases (ExAC no frequency). This sequence change falls in intron 6 of the NME8 gene. It does not directly change the encoded amino acid sequence of the NME8 protein, but it affects a nucleotide within the consensus splice site of the intron.

Literature cited by the submitters: PubMed 17576681; PubMed 9536098.